The following is an entry in ClinVar:

ClinVar aggregate classification (germline): Pathogenic (1 of 4 stars; one submission).

Submission:

GeneDx
Classification: Pathogenic. Last evaluated: 2015-09-25. Review status: criteria provided, single submitter. Criteria: GeneDx Variant Classification (06012015). Collection method: clinical testing. Allele origin: germline. Affected: yes.
Comment: This deletion of one nucleotide in ATM is denoted c.6059delG at the cDNA level and p.Gly2020AlafsX27 (G2020AfsX27) at the protein level. The normal sequence, with the base that is deleted in braces, is TATG[G]CTGT. The deletion causes a frameshift, which changes a Glycine to an Alanine at codon 2020, and creates a premature stop codon at position 27 of the new reading frame. Although this variant has not, to our knowledge, been reported in the literature, it is predicted to cause loss of normal protein function through either protein truncation or nonsense-mediated mRNA decay. Based on currently available information, we consider this deletion to be pathogenic.

NM_000051.4(ATM):c.6059del (p.Gly2020fs)

Genes: ATM (ATM serine/threonine kinase; plus strand), C11orf65 (chromosome 11 open reading frame 65; minus strand). Cytogenetic location: 11q22.3.
Variant type: Deletion.
Coding change: c.6059del on transcript NM_000051.4 (MANE Select); coding-DNA position 6059, one base deleted (G; older notation c.6059delG).
Protein change: p.Gly2020fs; shifts the reading frame from glycine 2020.
Molecular consequence: frameshift variant. On other transcripts: intron variant (2).
Genome position (GRCh38, 1-based): chr11:108,315,875, G deleted; the last of 2 consecutive G bases (chr11:108,315,874-108,315,875); deleting either gives the same sequence. VCF-style (leftmost placement, unchanged base first): chr11-108315873-TG-T. GRCh37 (hg19) VCF-style: chr11-108186600-TG-T.
Other names: c.6059del, p.Gly2020fs (NM_001351834.2); c.641-6803del (NM_001330368.2); c.*39-6803del (NM_001351110.2); short protein forms G2020fs.
Identifiers: ClinVar variation 419877 (VCV000419877.4), dbSNP rs1064794166, ClinGen allele CA16619207.